The following is an entry in ClinVar:

NM_174936.4(PCSK9):c.1509A>C (p.Gln503His)

Gene: PCSK9 (proprotein convertase subtilisin/kexin type 9; plus strand). Cytogenetic location: 1p32.3.
Variant type: single nucleotide variant.
Coding change: c.1509A>C on transcript NM_174936.4 (MANE Select); coding-DNA position 1509, A replaced by C.
Protein change: p.Gln503His; replaces glutamine 503 with histidine.
Molecular consequence: missense variant. On other transcripts: non-coding transcript variant (7), intron variant (1).
Genome position (GRCh38, 1-based): chr1:55,059,491, A>C. VCF-style: chr1-55059491-A-C. GRCh37 (hg19) VCF-style: chr1-55525164-A-C.
Other names: c.1181-1884A>C (NM_001407247.1); c.1632A>C, p.Gln544His (NM_001407240.1); c.1551A>C, p.Gln517His (NM_001407241.1); c.1512A>C, p.Gln504His (NM_001407242.1); c.1452A>C, p.Gln484His (NM_001407243.1); c.1335A>C, p.Gln445His (NM_001407244.1); c.1317A>C, p.Gln439His (NM_001407245.1); c.1134A>C, p.Gln378His (NM_001407246.1); short protein forms Q439H, Q503H, Q504H, Q378H, Q484H, Q517H, Q445H, Q544H.
Identifiers: ClinVar variation 3665781 (VCV003665781.2).

ClinVar aggregate classification (germline): Uncertain significance (1 of 4 stars; one submission).

Conditions:
Hypercholesterolemia, autosomal dominant, 3 (FHCL3). Also called: Familial Hypercholesterolemia, Autosomal Dominant, 3; PCSK9-Related Familial Hypercholesterolemia, Autosomal Dominant; Familial hypercholesterolemia 3. Identifiers: MedGen C1863551, MONDO:0011369, OMIM 603776.

Submission:

Labcorp Genetics (formerly Invitae), Labcorp
Classification: Uncertain significance for Hypercholesterolemia, autosomal dominant, 3. Last evaluated: 2024-10-21. Review status: criteria provided, single submitter. Criteria: Invitae Variant Classification Sherloc (09022015). Collection method: clinical testing. Allele origin: germline.
Comment: This sequence change replaces glutamine, which is neutral and polar, with histidine, which is basic and polar, at codon 503 of the PCSK9 protein (p.Gln503His). This variant is not present in population databases (gnomAD no frequency). This variant has not been reported in the literature in individuals affected with PCSK9-related conditions. Invitae Evidence Modeling of protein sequence and biophysical properties (such as structural, functional, and spatial information, amino acid conservation, physicochemical variation, residue mobility, and thermodynamic stability) indicates that this missense variant is not expected to disrupt PCSK9 protein function with a negative predictive value of 80%. In summary, the available evidence is currently insufficient to determine the role of this variant in disease. Therefore, it has been classified as a Variant of Uncertain Significance.